The following is an entry in ClinVar:

NM_000051.4(ATM):c.6629del (p.Gln2210fs)

Genes: ATM (ATM serine/threonine kinase; plus strand), C11orf65 (chromosome 11 open reading frame 65; minus strand). Cytogenetic location: 11q22.3.
Variant type: Deletion.
Coding change: c.6629del on transcript NM_000051.4 (MANE Select); coding-DNA position 6629, one base deleted (A; older notation c.6629delA).
Protein change: p.Gln2210fs; shifts the reading frame from glutamine 2210.
Molecular consequence: frameshift variant. On other transcripts: intron variant (2).
Genome position (GRCh38, 1-based): chr11:108,325,366, A deleted. VCF-style (leftmost placement, unchanged base first): chr11-108325365-CA-C. GRCh37 (hg19) VCF-style: chr11-108196092-CA-C.
Other names: c.6629delA (NM_000051.4); c.6629delA, p.Gln2210Argfs (NM_000051.3); c.6629del, p.Gln2210fs (NM_001351834.2); c.641-16295del (NM_001330368.2); c.*38+9854del (NM_001351110.2); short protein forms Q2210fs.
Identifiers: ClinVar variation 946100 (VCV000946100.35), dbSNP rs2085556498, ClinGen allele CA942024464.

ClinVar aggregate classification (germline): Pathogenic. Review status: criteria provided, multiple submitters, no conflicts (2 of 4 stars). 6 submissions from 6 submitters: Pathogenic (6). Last evaluated 2025-11-17.

Conditions:
Abnormal central motor function. Identifiers: MedGen C4023354, HP:0011442.
Hereditary cancer-predisposing syndrome. Also called: Tumor predisposition; Neoplastic Syndromes, Hereditary; Hereditary neoplastic syndrome; Hereditary Cancer Syndrome. Identifiers: Orphanet 140162, MedGen C0027672, MeSH D009386, MONDO:0015356.
Familial cancer of breast. Also called: Hereditary breast cancer; hereditary breast carcinoma; BREAST CANCER, FAMILIAL. Identifiers: Orphanet 227535, MedGen C0346153, MONDO:0016419, OMIM 114480. Disease mechanism: loss of function.
Ataxia-telangiectasia syndrome (AT). Also called: Ataxia-telangiectasia, complementation group D; AT, COMPLEMENTATION GROUP C; ATAXIA-TELANGIECTASIA, COMPLEMENTATION GROUP A; ATAXIA-TELANGIECTASIA, FRESNO VARIANT; Ataxia-telangiectasia; Ataxia telangiectasia (A-T). Identifiers: Orphanet 100, MedGen C0004135, MONDO:0008840, OMIM 208900.

Allele frequency attached by ClinVar (database versions not stated): gnomAD 0.00001.

Submissions (6):

Labcorp Genetics (formerly Invitae), Labcorp
Classification: Pathogenic for Ataxia-telangiectasia syndrome. Last evaluated: 2025-11-17. Review status: criteria provided, single submitter. Criteria: Invitae Variant Classification Sherloc (09022015). Collection method: clinical testing. Allele origin: germline.
Comment: This sequence change creates a premature translational stop signal (p.Gln2210Argfs*25) in the ATM gene. It is expected to result in an absent or disrupted protein product. Loss-of-function variants in ATM are known to be pathogenic (PMID: 23807571, 25614872). This variant is not present in population databases (gnomAD no frequency). This premature translational stop signal has been observed in individual(s) with ataxia telangiectasia (PMID: 22213089). ClinVar contains an entry for this variant (Variation ID: 946100). For these reasons, this variant has been classified as Pathogenic.

Color Diagnostics, LLC DBA Color Health
Classification: Pathogenic for Hereditary cancer-predisposing syndrome. Last evaluated: 2025-10-22. Review status: criteria provided, single submitter. Criteria: ACMG Guidelines, 2015. Collection method: clinical testing. Allele origin: germline.
Comment: This variant deletes 1 nucleotide in exon 46 of the ATM gene, creating a frameshift and premature translation stop signal. This variant is expected to result in an absent or non-functional protein product. This variant has been observed with a second pathogenic variant in an individual affected with autosomal recessive Ataxia-telangiectasia (PMID: 22213089). Cells derived from this individual showed ATM protein expression but no kinase activity. This variant has been identified in 1/151448 chromosomes in the general population by the Genome Aggregation Database (gnomAD). Loss of ATM function is a known mechanism of disease. Based on the available evidence, this variant is classified as Pathogenic.

Baylor Genetics
Classification: Pathogenic for Familial cancer of breast. Last evaluated: 2024-03-18. Review status: criteria provided, single submitter. Criteria: ACMG Guidelines, 2015. Collection method: clinical testing. Allele origin: unknown.

Myriad Genetics, Inc.
Classification: Pathogenic for Familial cancer of breast. Last evaluated: 2024-01-30. Review status: criteria provided, single submitter. Criteria: Myriad Autosomal Dominant, Autosomal Recessive and X-Linked Classification Criteria (2023). Collection method: clinical testing. Allele origin: unknown.
Comment: This variant is considered pathogenic. This variant creates a frameshift predicted to result in premature protein truncation.

Kariminejad - Najmabadi Pathology & Genetics Center
Classification: Pathogenic for Abnormal central motor function. Last evaluated: 2021-07-10. Review status: criteria provided, single submitter. Criteria: ACMG Guidelines, 2015. Collection method: clinical testing. Allele origin: germline. Affected: yes.

Ambry Genetics
Classification: Pathogenic for Hereditary cancer-predisposing syndrome. Last evaluated: 2021-04-14. Review status: criteria provided, single submitter. Criteria: Ambry Variant Classification Scheme 2023. Collection method: clinical testing. Allele origin: germline.
Comment: The c.6629delA pathogenic mutation, located in coding exon 45 of the ATM gene, results from a deletion of one nucleotide at nucleotide position 6629, causing a translational frameshift with a predicted alternate stop codon (p.Q2210Rfs*25). This mutation has been described in conjunction with an in-frame deletion in one individual with ataxia-telangiectasia; this individual had some residual ATM protein but no kinase activity (Verhagen MM, et al. Hum. Mutat. 2012 Mar; 33(3):561-71). In addition to the clinical data presented in the literature, this alteration is expected to result in loss of function by premature protein truncation or nonsense-mediated mRNA decay. As such, this alteration is interpreted as a disease-causing mutation.

Literature cited by the submitters: PubMed 23807571 (cited by Labcorp Genetics (formerly Invitae), Labcorp); PubMed 25614872 (cited by Labcorp Genetics (formerly Invitae), Labcorp); PubMed 22213089 (cited by 3 submitters); PubMed 28126470 (cited by Ambry Genetics).